The following is an entry in ClinVar:

ClinVar aggregate classification (germline): Conflicting classifications of pathogenicity. Review status: criteria provided, conflicting classifications (1 of 4 stars). 3 submissions from 3 submitters: Uncertain significance (1); Benign (1). 1 of the submissions does not count toward it. Last evaluated 2025-05-22.

Conditions:
Inborn genetic diseases. Identifiers: MedGen C0950123, MeSH D030342.
Alpha thalassemia-X-linked intellectual disability syndrome (ATRX). Also called: ALPHA-THALASSEMIA/MENTAL RETARDATION SYNDROME, X-LINKED; ATR, NONDELETION TYPE; X-linked alpha-thalassemia-mental retardation syndrome; ALPHA-THALASSEMIA/IMPAIRED INTELLECTUAL DEVELOPMENT SYNDROME, X-LINKED; ATR-X syndrome; Alpha thalassemia mental retardation syndrome, nondeletion type, X-linked. Identifiers: Orphanet 847, MedGen C1845055, MONDO:0010519, OMIM 301040.

Allele frequency attached by ClinVar (database versions not stated): ExAC 0.00005; TOPMed 0.00001; gnomAD exomes 0.00003.
gnomAD v4.1: 37 of 1,209,219 alleles (0.0031%); highest among the groups gnomAD compares: East Asian, 0.0059%; no homozygotes.

Submissions (3):

Labcorp Genetics (formerly Invitae), Labcorp
Classification: Benign for Alpha thalassemia-X-linked intellectual disability syndrome. Last evaluated: 2025-05-22. Review status: criteria provided, single submitter. Criteria: Invitae Variant Classification Sherloc (09022015). Collection method: clinical testing. Allele origin: germline.

Ambry Genetics
Classification: Uncertain significance for Inborn genetic diseases. Last evaluated: 2019-10-28. Review status: criteria provided, single submitter. Criteria: Ambry Variant Classification Scheme 2023. Collection method: clinical testing. Allele origin: germline.
Comment: The p.T899M variant (also known as c.2696C>T), located in coding exon 9 of the ATRX gene, results from a C to T substitution at nucleotide position 2696. The threonine at codon 899 is replaced by methionine, an amino acid with similar properties. This amino acid position is poorly conserved in available vertebrate species. In addition, this alteration is predicted to be tolerated by in silico analysis. Since supporting evidence is limited at this time, the clinical significance of this alteration remains unclear.

Natera, Inc.
Classification: Uncertain significance for X-linked alpha-thalassemia-mental retardation syndrome. Last evaluated: 2019-10-28. Review status: no assertion criteria provided. Collection method: clinical testing. Allele origin: germline. Not counted in ClinVar's aggregate classification.

NM_000489.6(ATRX):c.2696C>T (p.Thr899Met)

Gene: ATRX (ATRX chromatin remodeler; minus strand). Cytogenetic location: Xq21.1.
Variant type: single nucleotide variant.
Coding change: c.2696C>T on transcript NM_000489.6 (MANE Select); coding-DNA position 2696, C replaced by T.
Protein change: p.Thr899Met; replaces threonine 899 with methionine.
Molecular consequence: missense variant.
Genome position (GRCh38, 1-based): chrX:77,682,560, G>A on the plus strand (C>T on the coding strand, the complement: ATRX is on the minus strand). VCF-style: chrX-77682560-G-A. GRCh37 (hg19) VCF-style: chrX-76938052-G-A.
Other names: c.2696C>T (NM_000489.3); c.2582C>T, p.Thr861Met (NM_138270.5); short protein forms T899M, T861M.
Identifiers: ClinVar variation 465047 (VCV000465047.15), dbSNP rs782757975, ClinGen allele CA10458043.